The following is an entry in ClinVar:

NM_000051.4(ATM):c.2530_2535del (p.Gly844_Asn845del)

Gene: ATM (ATM serine/threonine kinase; plus strand). Cytogenetic location: 11q22.3.
Variant type: Deletion.
Coding change: c.2530_2535del on transcript NM_000051.4 (MANE Select); coding-DNA positions 2530 to 2535, 6 bases deleted (GGAAAT; older notation c.2530_2535delGGAAAT).
Protein change: p.Gly844_Asn845del.
Molecular consequence: inframe deletion.
Genome position (GRCh38, 1-based): chr11:108,267,234-108,267,239, GGAAAT deleted; deleting any 6 consecutive bases within chr11:108,267,231-108,267,239 gives the same sequence; the c. name uses the placement nearest the transcript's 3' end. VCF-style (leftmost placement, unchanged base first): chr11-108267230-TAATGGA-T. GRCh37 (hg19) VCF-style: chr11-108137957-TAATGGA-T.
Other names: c.2530_2535delGGAAAT (NM_000051.3); c.2530_2535del, p.Gly844_Asn845del (NM_001351834.2).
Identifiers: ClinVar variation 479084 (VCV000479084.15), dbSNP rs956305036, ClinGen allele CA228406341.

ClinVar aggregate classification (germline): Uncertain significance. Review status: criteria provided, multiple submitters, no conflicts (2 of 4 stars). 3 submissions from 3 submitters: Uncertain significance (2). 1 of the submissions does not count toward it. Last evaluated 2025-11-04.

Conditions:
Hereditary cancer-predisposing syndrome. Also called: Tumor predisposition; Neoplastic Syndromes, Hereditary; Hereditary Cancer Syndrome; Hereditary neoplastic syndrome. Identifiers: Orphanet 140162, MedGen C0027672, MeSH D009386, MONDO:0015356.
Ataxia-telangiectasia syndrome (AT). Also called: Cerebello-oculocutaneous telangiectasia; Immunodeficiency with ataxia telangiectasia; ATAXIA-TELANGIECTASIA, COMPLEMENTATION GROUP A; Ataxia-telangiectasia, complementation group D; AT, COMPLEMENTATION GROUP C; ATAXIA-TELANGIECTASIA, FRESNO VARIANT. Identifiers: Orphanet 100, MedGen C0004135, MONDO:0008840, OMIM 208900.

Submissions (3):

Ambry Genetics
Classification: Uncertain significance for Hereditary cancer-predisposing syndrome. Last evaluated: 2025-11-04. Review status: criteria provided, single submitter. Criteria: Ambry Variant Classification Scheme 2023. Collection method: clinical testing. Allele origin: germline.
Comment: The c.2530_2535delGGAAAT variant (also known as p.G844_N845del) is located in coding exon 16 of the ATM gene. This variant results from an in-frame GGAAAT deletion at nucleotide positions 2530 to 2535. This results in the in-frame deletion of a at codon 844. This amino acid region is not well conserved in available vertebrate species. In addition, the in silico prediction for this variant is inconclusive (Choi Y et al. PLoS ONE. 2012; 7(10):e46688). Based on the available evidence, the clinical significance of this variant remains unclear.

Labcorp Genetics (formerly Invitae), Labcorp
Classification: Uncertain significance for Ataxia-telangiectasia syndrome. Last evaluated: 2025-10-20. Review status: criteria provided, single submitter. Criteria: Invitae Variant Classification Sherloc (09022015). Collection method: clinical testing. Allele origin: germline.
Comment: This variant, c.2530_2535del, results in the deletion of 2 amino acid(s) of the ATM protein (p.Gly844_Asn845del), but otherwise preserves the integrity of the reading frame. This variant is not present in population databases (gnomAD no frequency). This variant has not been reported in the literature in individuals affected with ATM-related conditions. ClinVar contains an entry for this variant (Variation ID: 479084). Experimental studies and prediction algorithms are not available or were not evaluated, and the functional significance of this variant is currently unknown. In summary, the available evidence is currently insufficient to determine the role of this variant in disease. Therefore, it has been classified as a Variant of Uncertain Significance.

Natera, Inc.
Classification: Uncertain significance for Ataxia-telangiectasia. Last evaluated: 2020-09-04. Review status: no assertion criteria provided. Collection method: clinical testing. Allele origin: germline. Not counted in ClinVar's aggregate classification.